The following is an entry in ClinVar:

ClinVar aggregate classification (germline): Likely benign (1 of 4 stars; one submission).

Conditions:
PLXNA1-related disorder. Also called: PLXNA1-related condition.

gnomAD v4.1: 6 of 1,612,084 alleles (0.00037%); highest among the groups gnomAD compares: Non-Finnish European, 0.00042%; no homozygotes.

Submission:

PreventionGenetics, part of Exact Sciences
Classification: Likely benign for PLXNA1-related condition. Last evaluated: 2025-02-06. Review status: criteria provided, single submitter. Criteria: ACMG Guidelines, 2015. Collection method: clinical testing. Allele origin: germline.
Comment: This variant is classified as likely benign based on ACMG/AMP sequence variant interpretation guidelines (Richards et al. 2015 PMID: 25741868, with internal and published modifications).

NM_032242.4(PLXNA1):c.2113-5C>G

Gene: PLXNA1 (plexin A1; plus strand). Cytogenetic location: 3q21.3.
Variant type: single nucleotide variant.
Coding change: c.2113-5C>G on transcript NM_032242.4 (MANE Select); 5 bases into the intron before coding-DNA position 2113, C replaced by G.
Molecular consequence: intron variant.
Genome position (GRCh38, 1-based): chr3:127,011,953, C>G. VCF-style: chr3-127011953-C-G. GRCh37 (hg19) VCF-style: chr3-126730796-C-G.
Identifiers: ClinVar variation 4982674 (VCV004982674.1).